The following is an entry in ClinVar:

ClinVar aggregate classification (germline): Likely benign (1 of 4 stars; one submission).

gnomAD v4.1: 5,961 of 1,550,776 alleles (0.38%); highest among the groups gnomAD compares: Non-Finnish European, 0.43%; 19 homozygotes.

Submission:

CeGaT Center for Human Genetics Tuebingen
Classification: Likely benign. Last evaluated: 2026-07-01. Review status: criteria provided, single submitter. Criteria: CeGaT Center For Human Genetics Tuebingen Variant Classification Criteria Version 2. Collection method: clinical testing. Allele origin: germline. Affected: yes. Observed: 1 variant allele.
Comment: TMEM239: BP4, BS2

NM_001167670.3(TMEM239):c.265C>T (p.Leu89=)

Gene: TMEM239 (transmembrane protein 239; plus strand). Cytogenetic location: 20p13.
Variant type: single nucleotide variant.
Coding change: c.265C>T on transcript NM_001167670.3 (MANE Select); coding-DNA position 265, C replaced by T.
Protein change: p.Leu89=; no amino-acid change (leucine 89 retained).
Molecular consequence: synonymous variant.
Genome position (GRCh38, 1-based): chr20:2,816,819, C>T. VCF-style: chr20-2816819-C-T. GRCh37 (hg19) VCF-style: chr20-2797465-C-T.
Other names: c.394C>T, p.Leu132= (NM_001318207.1).
Identifiers: ClinVar variation 5038492 (VCV005038492.1).